The following is an entry in ClinVar:

NM_000271.5(NPC1):c.1030del (p.Ser344fs)

Gene: NPC1 (NPC intracellular cholesterol transporter 1; minus strand). Cytogenetic location: 18q11.2.
Variant type: Deletion.
Coding change: c.1030del on transcript NM_000271.5 (MANE Select); coding-DNA position 1030, one base deleted (T; older notation c.1030delT).
Protein change: p.Ser344fs; shifts the reading frame from serine 344.
Molecular consequence: frameshift variant.
Genome position (GRCh38, 1-based): chr18:23,556,539, A deleted on the plus strand (T on the coding strand, the reverse complement: NPC1 is on the minus strand). VCF-style (leftmost placement, unchanged base first): chr18-23556538-GA-G. GRCh37 (hg19) VCF-style: chr18-21136502-GA-G.
Other names: short protein forms S344fs.
Identifiers: ClinVar variation 132888 (VCV000132888.2), dbSNP rs483352883, ClinGen allele CA269816.
Genomic context (GRCh38, chr18:23,556,538, plus strand): 5'-CACGCAGTAATGAAGACCAGCGAGAAGAAAATGACACAGCCAGGGTTTCGGACGCAGAAA[GA>G]CCCCCAGCGTGTGAACAGCCGCCTCAAGCAGCCCTCAAATGCTGCGCTGACAGGGTCACA-3'

ClinVar aggregate classification (germline): Pathogenic (0 of 4 stars; one submission).

Conditions:
Niemann-Pick disease, type C1. Also called: NIEMANN-PICK DISEASE, VARIANT TYPE C1; NEUROVISCERAL STORAGE DISEASE WITH VERTICAL SUPRANUCLEAR OPHTHALMOPLEGIA; NIEMANN-PICK DISEASE WITH CHOLESTEROL ESTERIFICATION BLOCK; NIEMANN-PICK DISEASE WITHOUT SPHINGOMYELINASE DEFICIENCY; NIEMANN-PICK DISEASE, CHRONIC NEURONOPATHIC FORM. Identifiers: Orphanet 646, MedGen C3179455, MONDO:0009757, OMIM 257220.

Submission:

Shanghain Institute for Pediatric Research
Classification: Pathogenic for Niemann-Pick disease type C1. Review status: no assertion criteria provided. Collection method: not provided. Allele origin: germline.
ClinVar note: Converted during submission from pathogenic to Pathogenic.